The following is an entry in ClinVar:

NM_001349253.2(SCN11A):c.3634G>T (p.Asp1212Tyr)

Genes: SCN11A (sodium voltage-gated channel alpha subunit 11; minus strand), LOC126806652 (CDK7 strongly-dependent group 2 enhancer GRCh37_chr3:38912374-38913573; plus strand). Cytogenetic location: 3p22.2.
Variant type: single nucleotide variant.
Coding change: c.3634G>T on transcript NM_001349253.2 (MANE Select); coding-DNA position 3634, G replaced by T.
Protein change: p.Asp1212Tyr; replaces aspartic acid 1212 with tyrosine.
Molecular consequence: missense variant.
Genome position (GRCh38, 1-based): chr3:38,871,570, C>A on the plus strand (G>T on the coding strand, the complement: SCN11A is on the minus strand). VCF-style: chr3-38871570-C-A. GRCh37 (hg19) VCF-style: chr3-38913061-C-A.
Other names: c.3634G>T, p.Asp1212Tyr (NM_014139.3); short protein forms D1212Y.
Identifiers: ClinVar variation 566025 (VCV000566025.6), dbSNP rs966280936, ClinGen allele CA352170693.

ClinVar aggregate classification (germline): Uncertain significance (1 of 4 stars; one submission).

Conditions:
Hereditary sensory and autonomic neuropathy type 7. Also called: Neuropathy, hereditary sensory and autonomic, type VII; HSAN VII. Identifiers: Orphanet 391397, MedGen C3809882, MONDO:0014244, OMIM 615548.
Familial episodic pain syndrome with predominantly lower limb involvement. Also called: Episodic pain syndrome, familial, 3. Identifiers: Orphanet 391384, Orphanet 391392, MedGen C3809899, MONDO:0014247, OMIM 615552.

Submission:

Labcorp Genetics (formerly Invitae), Labcorp
Classification: Uncertain significance for Familial episodic pain syndrome with predominantly lower limb involvement; Hereditary sensory and autonomic neuropathy type 7. Last evaluated: 2025-09-17. Review status: criteria provided, single submitter. Criteria: Invitae Variant Classification Sherloc (09022015). Collection method: clinical testing. Allele origin: germline.
Comment: This sequence change replaces aspartic acid, which is acidic and polar, with tyrosine, which is neutral and polar, at codon 1212 of the SCN11A protein (p.Asp1212Tyr). This variant is not present in population databases (gnomAD no frequency). This variant has not been reported in the literature in individuals affected with SCN11A-related conditions. ClinVar contains an entry for this variant (Variation ID: 566025). Invitae Evidence Modeling of protein sequence and biophysical properties (such as structural, functional, and spatial information, amino acid conservation, physicochemical variation, residue mobility, and thermodynamic stability) indicates that this missense variant is not expected to disrupt SCN11A protein function with a negative predictive value of 80%. In summary, the available evidence is currently insufficient to determine the role of this variant in disease. Therefore, it has been classified as a Variant of Uncertain Significance.